The following is an entry in ClinVar:

NM_000038.6(APC):c.3449A>G (p.Glu1150Gly)

Gene: APC (APC regulator of Wnt signaling pathway; plus strand). Cytogenetic location: 5q22.2.
Variant type: single nucleotide variant.
Coding change: c.3449A>G on transcript NM_000038.6 (MANE Select); coding-DNA position 3449, A replaced by G.
Protein change: p.Glu1150Gly; replaces glutamic acid 1150 with glycine.
Molecular consequence: missense variant. On other transcripts: non-coding transcript variant (2).
Genome position (GRCh38, 1-based): chr5:112,839,043, A>G. VCF-style: chr5-112839043-A-G. GRCh37 (hg19) VCF-style: chr5-112174740-A-G.
Other names: c.3272A>G, p.Glu1091Gly (NM_001407453.1, NM_001354901.2); c.3200A>G, p.Glu1067Gly (NM_001407454.1, NM_001407455.1, NM_001407456.1 and 1 more transcripts); c.3449A>G, p.Glu1150Gly (NM_001127510.3, NM_001354895.2, NM_001407450.1); c.3395A>G, p.Glu1132Gly (NM_001127511.3); c.3503A>G, p.Glu1168Gly (NM_001354896.2, NM_001407447.1, NM_001407448.1 and 1 more transcripts); c.3479A>G, p.Glu1160Gly (NM_001354897.2); c.3374A>G, p.Glu1125Gly (NM_001354898.2); c.3365A>G, p.Glu1122Gly (NM_001354899.2); and 11 more; short protein forms E1021G, E1049G, E1067G, E1122G, E1125G, E1140G, E1178G, E1059G.
Identifiers: ClinVar variation 2587006 (VCV002587006.4), dbSNP rs1765426559, ClinGen allele CA16028895.

ClinVar aggregate classification (germline): Uncertain significance. Review status: criteria provided, multiple submitters, no conflicts (2 of 4 stars). 3 submissions from 3 submitters: Uncertain significance (3). Last evaluated 2025-08-30.

Conditions:
Familial adenomatous polyposis 1 (FAP1). Also called: FAMILIAL ADENOMATOUS POLYPOSIS 1, ATTENUATED; POLYPOSIS, ADENOMATOUS INTESTINAL. Identifiers: MedGen C2713442, MONDO:0021056, OMIM 175100. Disease mechanism: loss of function.
Hereditary cancer-predisposing syndrome. Also called: Hereditary neoplastic syndrome; Tumor predisposition; Hereditary Cancer Syndrome; Neoplastic Syndromes, Hereditary. Identifiers: Orphanet 140162, MedGen C0027672, MeSH D009386, MONDO:0015356.

Submissions (3):

Color Diagnostics, LLC DBA Color Health
Classification: Uncertain significance for Hereditary cancer-predisposing syndrome. Last evaluated: 2025-08-30. Review status: criteria provided, single submitter. Criteria: ACMG Guidelines, 2015. Collection method: clinical testing. Allele origin: germline.
Comment: This missense variant replaces glutamic acid with glycine at codon 1150 of the APC protein. Computational prediction suggests that this variant may not impact protein structure and function. To our knowledge, functional studies have not been reported for this variant. This variant has not been reported in individuals affected with APC-related disorders in the literature. This variant has not been identified in the general population by the Genome Aggregation Database (gnomAD). The available evidence is insufficient to determine the role of this variant in disease conclusively. Therefore, this variant is classified as a Variant of Uncertain Significance.

Labcorp Genetics (formerly Invitae), Labcorp
Classification: Uncertain significance for Familial adenomatous polyposis 1. Last evaluated: 2025-07-09. Review status: criteria provided, single submitter. Criteria: Invitae Variant Classification Sherloc (09022015). Collection method: clinical testing. Allele origin: germline.
Comment: This sequence change replaces glutamic acid, which is acidic and polar, with glycine, which is neutral and non-polar, at codon 1150 of the APC protein (p.Glu1150Gly). This variant is not present in population databases (gnomAD no frequency). This variant has not been reported in the literature in individuals affected with APC-related conditions. ClinVar contains an entry for this variant (Variation ID: 2587006). Invitae Evidence Modeling of protein sequence and biophysical properties (such as structural, functional, and spatial information, amino acid conservation, physicochemical variation, residue mobility, and thermodynamic stability) indicates that this missense variant is not expected to disrupt APC protein function with a negative predictive value of 95%. In summary, the available evidence is currently insufficient to determine the role of this variant in disease. Therefore, it has been classified as a Variant of Uncertain Significance.

Ambry Genetics
Classification: Uncertain significance for Hereditary cancer-predisposing syndrome. Last evaluated: 2023-07-15. Review status: criteria provided, single submitter. Criteria: Ambry Variant Classification Scheme 2023. Collection method: clinical testing. Allele origin: germline.
Comment: The p.E1150G variant (also known as c.3449A>G), located in coding exon 15 of the APC gene, results from an A to G substitution at nucleotide position 3449. The glutamic acid at codon 1150 is replaced by glycine, an amino acid with similar properties. This amino acid position is conserved. In addition, in silico predictors for this gene do not accurately predict pathogenicity. Since supporting evidence is limited at this time, the clinical significance of this alteration remains unclear.